The following is an entry in ClinVar:

ClinVar aggregate classification (germline): Conflicting classifications of pathogenicity. Review status: criteria provided, conflicting classifications (1 of 4 stars). 2 submissions from 2 submitters: Uncertain significance (1); Likely benign (1). Last evaluated 2026-01-01.

Allele frequency attached by ClinVar (database versions not stated): gnomAD below 0.00001 and 0.00008; TOPMed 0.00002; gnomAD exomes 0.00014 and 0.00032; ExAC 0.00038; 1000 Genomes Project 0.00060; 1000 Genomes Project 30x 0.00078.
gnomAD v4.1: 217 of 1,613,412 alleles (0.013%); highest among the groups gnomAD compares: South Asian, 0.22%; 2 homozygotes.

Submissions (2):

CeGaT Center for Human Genetics Tuebingen
Classification: Likely benign. Last evaluated: 2026-01-01. Review status: criteria provided, single submitter. Criteria: CeGaT Center For Human Genetics Tuebingen Variant Classification Criteria Version 2. Collection method: clinical testing. Allele origin: germline. Affected: yes. Observed: 1 variant allele.
Comment: GRIK2: BP4, BP7

Genetic Services Laboratory, University of Chicago
Classification: Uncertain significance. Last evaluated: 2015-02-10. Review status: criteria provided, single submitter. Criteria: ACMG Guidelines, 2015. Collection method: clinical testing. Allele origin: germline.

NM_021956.5(GRIK2):c.1065C>T (p.Phe355=)

Gene: GRIK2 (glutamate ionotropic receptor kainate type subunit 2; plus strand). Cytogenetic location: 6q16.3.
Variant type: single nucleotide variant.
Coding change: c.1065C>T on transcript NM_021956.5 (MANE Select); coding-DNA position 1065, C replaced by T.
Protein change: p.Phe355=; no amino-acid change (phenylalanine 355 retained).
Molecular consequence: synonymous variant.
Genome position (GRCh38, 1-based): chr6:101,799,761, C>T. VCF-style: chr6-101799761-C-T. GRCh37 (hg19) VCF-style: chr6-102247636-C-T.
Other names: c.1065C>T, p.Phe355= (NM_001166247.1, NM_175768.3).
Identifiers: ClinVar variation 211102 (VCV000211102.10), dbSNP rs542238643, ClinGen allele CA206878.